The following is an entry in ClinVar:

NM_001364905.1(LRBA):c.2535C>G (p.Asp845Glu)

Gene: LRBA (LPS responsive beige-like anchor protein; minus strand). Cytogenetic location: 4q31.3.
Variant type: single nucleotide variant.
Coding change: c.2535C>G on transcript NM_001364905.1 (MANE Select); coding-DNA position 2535, C replaced by G.
Protein change: p.Asp845Glu; replaces aspartic acid 845 with glutamic acid.
Molecular consequence: missense variant.
Genome position (GRCh38, 1-based): chr4:150,868,220, G>C on the plus strand (C>G on the coding strand, the complement: LRBA is on the minus strand). VCF-style: chr4-150868220-G-C. GRCh37 (hg19) VCF-style: chr4-151789372-G-C.
Other names: c.2535C>G, p.Asp845Glu (NM_001199282.3, NM_001367550.1, NM_006726.5); short protein forms D845E.
Identifiers: ClinVar variation 835196 (VCV000835196.9), dbSNP rs1327756766, ClinGen allele CA358465362.
Genomic context (GRCh38, chr4:150,868,220, plus strand): 5'-AATGCTTTCTGATTCAGCTTACCTCCTGTTTTCTCTACTGTTATTAAAAAGTTTAATCAT[G>C]TCAGAAAGAAAGGCTCTGCGAACCTCCATGCTCTCTGGGCACTGGGGAGAATTTCGAAGT-3'
Protein context (NP_001351834.1, residues 835-855): SMEVRRAFLS[Asp845Glu]MIKLFNNSRE

ClinVar aggregate classification (germline): Uncertain significance (1 of 4 stars; one submission).

Conditions:
Combined immunodeficiency due to LRBA deficiency. Also called: Common variable immunodeficiency 8, with autoimmunity. Identifiers: Orphanet 445018, MedGen C3553512, MONDO:0013863, OMIM 614700.

Allele frequency attached by ClinVar (database versions not stated): gnomAD exomes below 0.00001; TOPMed below 0.00001; gnomAD 0.00001.
gnomAD v4.1: 3 of 1,612,398 alleles (0.00019%); highest among the groups gnomAD compares: Non-Finnish European, 0.00017%; no homozygotes.

Submission:

Labcorp Genetics (formerly Invitae), Labcorp
Classification: Uncertain significance for Combined immunodeficiency due to LRBA deficiency. Last evaluated: 2022-10-17. Review status: criteria provided, single submitter. Criteria: Invitae Variant Classification Sherloc (09022015). Collection method: clinical testing. Allele origin: germline.
Comment: In summary, the available evidence is currently insufficient to determine the role of this variant in disease. Therefore, it has been classified as a Variant of Uncertain Significance. Advanced modeling of protein sequence and biophysical properties (such as structural, functional, and spatial information, amino acid conservation, physicochemical variation, residue mobility, and thermodynamic stability) has been performed at Invitae for this missense variant, however the output from this modeling did not meet the statistical confidence thresholds required to predict the impact of this variant on LRBA protein function. ClinVar contains an entry for this variant (Variation ID: 835196). This variant has not been reported in the literature in individuals affected with LRBA-related conditions. This variant is not present in population databases (gnomAD no frequency). This sequence change replaces aspartic acid, which is acidic and polar, with glutamic acid, which is acidic and polar, at codon 845 of the LRBA protein (p.Asp845Glu).